The following is an entry in ClinVar:

NM_000548.5(TSC2):c.4681A>T (p.Ile1561Phe)

Gene: TSC2 (TSC complex subunit 2; plus strand). Cytogenetic location: 16p13.3.
Variant type: single nucleotide variant.
Coding change: c.4681A>T on transcript NM_000548.5 (MANE Select); coding-DNA position 4681, A replaced by T.
Protein change: p.Ile1561Phe; replaces isoleucine 1561 with phenylalanine.
Molecular consequence: missense variant.
Genome position (GRCh38, 1-based): chr16:2,086,211, A>T. VCF-style: chr16-2086211-A-T. GRCh37 (hg19) VCF-style: chr16-2136212-A-T.
Other names: c.4480A>T, p.Ile1494Phe (NM_001077183.3); c.4612A>T, p.Ile1538Phe (NM_001114382.3); c.4372A>T, p.Ile1458Phe (NM_001318827.2); c.4336A>T, p.Ile1446Phe (NM_001318829.2); c.3949A>T, p.Ile1317Phe (NM_001318831.2); c.4513A>T, p.Ile1505Phe (NM_001318832.2); c.4483A>T, p.Ile1495Phe (NM_001363528.2); c.4549A>T, p.Ile1517Phe (NM_001370404.1); and 1 more; short protein forms I1317F, I1446F, I1458F, I1494F, I1495F, I1505F, I1517F, I1518F.
Identifiers: ClinVar variation 1022708 (VCV001022708.8), dbSNP rs2090767182, ClinGen allele CA394307034.

ClinVar aggregate classification (germline): Uncertain significance (1 of 4 stars; one submission).

Conditions:
Tuberous sclerosis 2 (TSC2). Identifiers: Orphanet 805, MedGen C1860707, MONDO:0013199, OMIM 613254.

Submission:

Labcorp Genetics (formerly Invitae), Labcorp
Classification: Uncertain significance for Tuberous sclerosis 2. Last evaluated: 2020-08-20. Review status: criteria provided, single submitter. Criteria: Invitae Variant Classification Sherloc (09022015). Collection method: clinical testing. Allele origin: germline.
Comment: In summary, the available evidence is currently insufficient to determine the role of this variant in disease. Therefore, it has been classified as a Variant of Uncertain Significance. Advanced modeling of protein sequence and biophysical properties (such as structural, functional, and spatial information, amino acid conservation, physicochemical variation, residue mobility, and thermodynamic stability) performed at Invitae indicates that this missense variant is expected to disrupt TSC2 protein function. This variant has not been reported in the literature in individuals with TSC2-related conditions. This variant is not present in population databases (ExAC no frequency). This sequence change replaces isoleucine with phenylalanine at codon 1561 of the TSC2 protein (p.Ile1561Phe). The isoleucine residue is highly conserved and there is a small physicochemical difference between isoleucine and phenylalanine.